The following is an entry in ClinVar:

NM_000132.4(F8):c.3986G>A (p.Arg1329His)

Gene: F8 (coagulation factor VIII; minus strand). Cytogenetic location: Xq28.
Variant type: single nucleotide variant.
Coding change: c.3986G>A on transcript NM_000132.4 (MANE Select); coding-DNA position 3986, G replaced by A.
Protein change: p.Arg1329His; replaces arginine 1329 with histidine.
Molecular consequence: missense variant.
Genome position (GRCh38, 1-based): chrX:154,929,804, C>T on the plus strand (G>A on the coding strand, the complement: F8 is on the minus strand). VCF-style: chrX-154929804-C-T. GRCh37 (hg19) VCF-style: chrX-154158079-C-T.
Other names: short protein forms R1329H.
Identifiers: ClinVar variation 1685795 (VCV001685795.4), dbSNP rs782767347, ClinGen allele CA10568156.
Genomic context (GRCh38, chrX:154,929,804, plus strand): 5'-CTTTTTTCAAGTTCTGTTTCTTCTAGTGGGAGTCTGAATTGTTTCAAAGCTCTCTTACTA[C>T]GTTGCGTGACAAAATTCTGCTGGCTTGTATTAGGAGATATCCTTGTGGTGCATGCATATT-3'
Protein context (NP_000123.1, residues 1319-1339): NTSQQNFVTQ[Arg1329His]SKRALKQFRL

ClinVar aggregate classification (germline): Uncertain significance. Review status: criteria provided, multiple submitters, no conflicts (2 of 4 stars). 3 submissions from 3 submitters: Uncertain significance (3). Last evaluated 2025-12-22.

Conditions:
Thrombophilia, X-linked, due to factor 8 defect. Also called: THROMBOPHILIA, X-LINKED, DUE TO FACTOR VIII DEFECT; Thrombophilia 13, X-linked, due to factor VIII defect. Identifiers: MedGen C5676879, MONDO:0859082, OMIM 301071.
Hereditary factor VIII deficiency disease (HEMA). Also called: AUTOSOMAL HEMOPHILIA A; Hemophilia A, congenital; HEM A; Factor 8 deficiency, congenital; Hemophilia A; HEMOPHILIA, CLASSIC. Identifiers: Orphanet 98878, MedGen C0019069, MONDO:0010602, OMIM 306700.

Allele frequency attached by ClinVar (database versions not stated): ExAC 0.00001; gnomAD 0.00001; gnomAD exomes 0.00002; TOPMed 0.00002.
gnomAD v4.1: 19 of 1,209,922 alleles (0.0016%); highest among the groups gnomAD compares: South Asian, 0.019%; no homozygotes.

Submissions (3):

Myriad Genetics, Inc.
Classification: Uncertain significance for Hereditary factor VIII deficiency disease. Last evaluated: 2025-12-22. Review status: criteria provided, single submitter. Criteria: Myriad Autosomal Dominant, Autosomal Recessive and X-Linked Classification Criteria (2023). Collection method: clinical testing. Allele origin: unknown.
Comment: NM_000132.3(F8):c.3986G>A(R1329H) is a missense variant classified as a variant of uncertain significance in the context of hemophilia A. R1329H has been observed in a case with relevant disease (PMID: 16786531). Relevant functional assessments of this variant are available in the literature (PMID: 24108539). R1329H has been observed in referenced population frequency databases. In summary, there is insufficient evidence to classify NM_000132.3(F8):c.3986G>A(R1329H) as pathogenic or benign. Please note: this variant was assessed in the context of healthy population screening.

Mendelics
Classification: Uncertain significance for Thrombophilia, X-linked, due to factor 8 defect. Last evaluated: 2024-10-23. Review status: criteria provided, single submitter. Criteria: Mendelics Assertion Criteria 2019. Collection method: clinical testing. Allele origin: germline.
Comment: The F8 c.3986G>A (p.Arg1329His) variant (rs782767347) has a GnomAD 4.1.0 frequency of 0.00001570 with 11 hemizygotes. This frequency and the number of hemizygotes are not compatible to a variant causing the disease.

Neuberg Centre For Genomic Medicine, NCGM
Classification: Uncertain significance for Thrombophilia, X-linked, due to factor 8 defect. Last evaluated: 2023-06-22. Review status: criteria provided, single submitter. Criteria: ACMG Guidelines, 2015. Collection method: clinical testing. Allele origin: germline. Inheritance: X-linked inheritance. Affected: yes.
Comment: The observed missense c.3986G>A(p.Arg1329His) variant in F8 gene has not been reported previously as a pathogenic variant nor as a benign variant, to our knowledge. This variant is reported with the allele frequency of 0.002% in the gnomAD Exomes. This variant has been reported to the ClinVar database as Pathogenic. However, study in multiple affected individuals and functional evidence on its pathogenicity is not available. The amino acid Arg at position 1329 is changed to a His changing protein sequence and it might alter its composition and physico-chemical properties. The p.Arg1329His variant is novel (not in any individuals) in 1000 Genomes. Multiple lines of computational evidence (Polyphen - Benign, SIFT - Tolerated, and MutationTaster - Polymorphism) predicts conflicting evidence on protein structure and function for this variant. For these reasons, this variant has been classified as Uncertain Significance.

Literature cited by the submitters: PubMed 16786531 (cited by Myriad Genetics, Inc.); PubMed 24108539 (cited by Myriad Genetics, Inc.).